The following continues an entry in ClinVar:

NM_000051.4(ATM):c.8786+1G>A

ClinVar aggregate classification (germline): Pathogenic. Pathogenic (1).

Submissions 11 to 21 of 21:

Molecular Pathology, Peter Maccallum Cancer Centre
Classification: Pathogenic for Ataxia-telangiectasia syndrome. Last evaluated: 2024-05-02. Review status: criteria provided, single submitter. Criteria: ACMG Guidelines, 2015. Collection method: clinical testing. Allele origin: germline. Inheritance: Autosomal recessive inheritance. Not counted in ClinVar's aggregate classification.

Fulgent Genetics
Classification: Pathogenic for Familial cancer of breast; Ataxia-telangiectasia syndrome. Last evaluated: 2024-02-29. Review status: criteria provided, single submitter. Criteria: ACMG Guidelines, 2015. Collection method: clinical testing. Allele origin: germline. Not counted in ClinVar's aggregate classification.

Baylor Genetics
Classification: Pathogenic for Familial cancer of breast. Last evaluated: 2024-02-22. Review status: criteria provided, single submitter. Criteria: ACMG Guidelines, 2015. Collection method: clinical testing. Allele origin: unknown. Not counted in ClinVar's aggregate classification.

Ambry Genetics
Classification: Pathogenic for Hereditary cancer-predisposing syndrome. Last evaluated: 2023-01-10. Review status: criteria provided, single submitter. Criteria: Ambry Variant Classification Scheme 2023. Collection method: clinical testing. Allele origin: germline. Not counted in ClinVar's aggregate classification.
Comment: The c.8786+1G>A intronic pathogenic mutation results from a G to A substitution one nucleotide after intron 59 of the ATM gene. This alteration has been detected in numerous individuals with ataxia-telangiectasia (Wright J et al. Am. J. Hum. Genet. 1996 Oct;59:839-46; Li A and Swift M. Am. J. Med. Genet. 2000 May;92:170-7; Stankovic T et al. Am. J. Hum. Genet. 1998 Feb;62:334-45; Laake K et al. Hum. Mutat. 2000 Sep;16:232-46; Schon K et al. Ann. Neurol. 2019 02;85(2):170-180). In addition, western blot analysis has shown that this alteration results in a truncated ATM protein product (Teraoka SN et al. Am. J. Hum. Genet. 1999 Jun;64:1617-31). In silico splice site analysis predicts that this alteration will weaken the native splice donor site. RNA studies have demonstrated that this alteration results in abnormal splicing in the set of samples tested (Ambry internal data). In addition to the clinical data presented in the literature, alterations that disrupt the canonical splice site are expected to cause aberrant splicing, resulting in an abnormal protein or a transcript that is subject to nonsense-mediated mRNA decay. As such, this alteration is classified as pathogenic.

GeneDx
Classification: Pathogenic. Last evaluated: 2022-05-19. Review status: criteria provided, single submitter. Criteria: GeneDx Variant Classification Process June 2021. Collection method: clinical testing. Allele origin: germline. Affected: yes. Not counted in ClinVar's aggregate classification.
Comment: Canonical splice site variant in a gene for which loss-of-function is a known mechanism of disease (Stankovic 1998, Garcia-Perez 2001, Reiman 2011); Observed in the heterozygous state in individuals with a personal or family history including lymphoma and colorectal cancer (Sutton 2015, AlDubayan 2018); Not observed at significant frequency in large population cohorts (gnomAD); Also known as IVS62+1G>A; This variant is associated with the following publications: (PMID: 8789452, 21445571, 25480502, 10330348, 9463314, 9443866, 10817650, 12552559, 11298136, 10980530, 8808599, 21792198, 8659541, 27479817, 29478780, 30338439, 30549301, 21459046, 25525159, 29625052, 31285527, 33436325, 30612635, 26681312, 31948886, 32853339, 26896183)

Women's Health and Genetics/Laboratory Corporation of America, LabCorp
Classification: Pathogenic for Ataxia-telangiectasia syndrome. Last evaluated: 2021-12-06. Review status: criteria provided, single submitter. Criteria: LabCorp Variant Classification Summary - May 2015. Collection method: clinical testing. Allele origin: germline. Not counted in ClinVar's aggregate classification.
Comment: Variant summary: ATM c.8786+1G>A is located in a canonical splice-site and is predicted to affect mRNA splicing resulting in a significantly altered protein due to either exon skipping, shortening, or inclusion of intronic material. Several computational tools predict a significant impact on normal splicing: Four predict the variant abolishes a canonical 5' splicing donor site. Multiple publications, Laake_2000 and Stankovic_1998, functionally assessed the variant and found it to affect mRNA splicing. The variant was observed with an allele frequency of 1.2e-05 in 246218 control chromosomes (gnomAD). This frequency is not higher than expected for a pathogenic variant in ATM causing Ataxia-Telangiectasia (1.2e-05 vs 0.004), allowing no conclusion about variant significance. The variant, c.8786+1G>A, has been reported in the literature in multiple individuals affected with Ataxia-Telangiectasia (Laake_2000, Stankovic_1998). These data indicate that the variant is very likely to be associated with disease. Nine clinical diagnostic laboratories have submitted clinical-significance assessments for this variant to ClinVar after 2014 and all laboratories classified the variant as pathogenic. Based on the evidence outlined above, the variant was classified as pathogenic.

Sema4
Classification: Pathogenic for Hereditary cancer-predisposing syndrome. Last evaluated: 2021-09-15. Review status: criteria provided, single submitter. Criteria: Sema4 Curation Guidelines. Collection method: curation. Allele origin: germline. Not counted in ClinVar's aggregate classification.
Comment: The ATM c.8786+1G>A variant has been reported in several individuals with ataxia telangiectasia (PMID: 30549301, 10980530, 11298136, 10330348). Additionally, has also been reported in individuals with breast cancer and colorectal cancer (PMID: 26681312, 29478780, 33471991). Functional studies demonstrated the variant to result in aberrant splicing leading to absent or non-functional protein (PMID: 11298136, 10330348). It was observed in 4/113738 chromosomes of the Non-Finnish European subpopulation in the large and broad cohorts of the Genome Aggregation Database (PMID: 32461654). The variant has been reported in ClinVar (Variation ID 127463). Based on the current evidence available, this variant is interpreted as pathogenic.

Revvity Omics, Revvity
Classification: Pathogenic for Ataxia-telangiectasia syndrome. Last evaluated: 2019-01-24. Review status: criteria provided, single submitter. Criteria: ACMG Guidelines, 2015. Collection method: clinical testing. Allele origin: germline. Not counted in ClinVar's aggregate classification.

St. Jude Molecular Pathology, St. Jude Children's Research Hospital
Classification: Pathogenic for Malignant Glioma. Last evaluated: 2017-02-13. Review status: criteria provided, single submitter. Criteria: ACMG Guidelines, 2015. Collection method: clinical testing. Allele origin: germline. Affected: yes. Not counted in ClinVar's aggregate classification.

GeneReviews
Classification: Pathogenic for Ataxia-telangiectasia syndrome. Last evaluated: 2016-10-27. Review status: no assertion criteria provided. Collection method: literature only. Allele origin: germline. Affected: yes. Not counted in ClinVar's aggregate classification.

Counsyl
Classification: Likely pathogenic for Ataxia-telangiectasia syndrome. Last evaluated: 2014-08-22. Review status: no assertion criteria provided. Collection method: literature only. Allele origin: unknown. Inheritance: Autosomal recessive inheritance. Not counted in ClinVar's aggregate classification.

Literature cited by the submitters: PubMed 8659541 (cited by Labcorp Genetics (formerly Invitae), Labcorp and Counsyl); PubMed 8808599 (cited by 4 submitters); PubMed 9463314 (cited by 9 submitters); PubMed 10330348 (cited by 6 submitters); PubMed 10817650 (cited by 5 submitters); PubMed 10980530 (cited by 7 submitters); PubMed 11298136 (cited by 5 submitters); PubMed 21445571 (cited by Labcorp Genetics (formerly Invitae), Labcorp); PubMed 21459046 (cited by Labcorp Genetics (formerly Invitae), Labcorp and Counsyl); PubMed 21792198 (cited by 3 submitters); PubMed 30549301 (cited by 3 submitters); PubMed 26896183 (cited by Department of Clinical Genetics, Copenhagen University Hospital, Rigshospitalet and Myriad Genetics, Inc.); PubMed 12552559 (cited by Color Diagnostics, LLC DBA Color Health); PubMed 37438524 (cited by Myriad Genetics, Inc.); PubMed 26681312 (cited by Sema4); PubMed 29478780 (cited by Sema4); PubMed 33471991 (cited by Sema4); PubMed 9000145 (cited by Counsyl).